The following is an entry in ClinVar:

ClinVar aggregate classification (germline): Uncertain significance (1 of 4 stars; one submission).

Conditions:
Neuroblastoma, susceptibility to, 3. Also called: ALK-Related Neuroblastic Tumor Susceptibility. Identifiers: Orphanet 635, MedGen C2751681, MONDO:0013083, OMIM 613014.

Allele frequency attached by ClinVar (database versions not stated): gnomAD exomes below 0.00001.
gnomAD v4.1: 1 of 1,613,552 alleles (0.000062%); highest among the groups gnomAD compares: Non-Finnish European, 0.000085%; no homozygotes.

Submission:

Labcorp Genetics (formerly Invitae), Labcorp
Classification: Uncertain significance for Neuroblastoma, susceptibility to, 3. Last evaluated: 2021-06-04. Review status: criteria provided, single submitter. Criteria: Invitae Variant Classification Sherloc (09022015). Collection method: clinical testing. Allele origin: germline.
Comment: In summary, the available evidence is currently insufficient to determine the role of this variant in disease. Therefore, it has been classified as a Variant of Uncertain Significance. This sequence change replaces leucine with methionine at codon 684 of the ALK protein (p.Leu684Met). The leucine residue is highly conserved and there is a small physicochemical difference between leucine and methionine. This variant is not present in population databases (ExAC no frequency). This variant has not been reported in the literature in individuals with ALK-related conditions. Algorithms developed to predict the effect of missense changes on protein structure and function are either unavailable or do not agree on the potential impact of this missense change (SIFT: "Deleterious"; PolyPhen-2: "Possibly Damaging"; Align-GVGD: "Class C0").

NM_004304.5(ALK):c.2050C>A (p.Leu684Met)

Gene: ALK (ALK receptor tyrosine kinase; minus strand). Cytogenetic location: 2p23.2.
Variant type: single nucleotide variant.
Coding change: c.2050C>A on transcript NM_004304.5 (MANE Select); coding-DNA position 2050, C replaced by A.
Protein change: p.Leu684Met; replaces leucine 684 with methionine.
Molecular consequence: missense variant.
Genome position (GRCh38, 1-based): chr2:29,251,259, G>T on the plus strand (C>A on the coding strand, the complement: ALK is on the minus strand). VCF-style: chr2-29251259-G-T. GRCh37 (hg19) VCF-style: chr2-29474125-G-T.
Other names: short protein forms L684M.
Identifiers: ClinVar variation 1354524 (VCV001354524.8), dbSNP rs1664810025, ClinGen allele CA346477227.